The following is an entry in ClinVar:

NM_002905.5(RDH5):c.392G>A (p.Arg131Gln)

Genes: BLOC1S1-RDH5 (BLOC1S1-RDH5 readthrough; plus strand), RDH5 (retinol dehydrogenase 5; plus strand). Cytogenetic location: 12q13.2.
Variant type: single nucleotide variant.
Coding change: c.392G>A on transcript NM_002905.5 (MANE Select); coding-DNA position 392, G replaced by A.
Protein change: p.Arg131Gln; replaces arginine 131 with glutamine.
Molecular consequence: missense variant. On other transcripts: non-coding transcript variant (1).
Genome position (GRCh38, 1-based): chr12:55,721,770, G>A. VCF-style: chr12-55721770-G-A. GRCh37 (hg19) VCF-style: chr12-56115554-G-A.
Other names: c.392G>A, p.Arg131Gln (NM_001199771.3); short protein forms R131Q.
Identifiers: ClinVar variation 964633 (VCV000964633.11), dbSNP rs767968568, ClinGen allele CA6616832.

ClinVar aggregate classification (germline): Uncertain significance. Review status: criteria provided, multiple submitters, no conflicts (2 of 4 stars). 3 submissions from 3 submitters: Uncertain significance (3). Last evaluated 2024-09-11.

Conditions:
Inborn genetic diseases. Identifiers: MedGen C0950123, MeSH D030342.

Allele frequency attached by ClinVar (database versions not stated): TOPMed 0.00002.

Submissions (3):

Blueprint Genetics
Classification: Uncertain significance. Last evaluated: 2024-09-11. Review status: criteria provided, single submitter. Criteria: ACMG Guidelines, 2015. Collection method: clinical testing. Allele origin: germline.

Labcorp Genetics (formerly Invitae), Labcorp
Classification: Uncertain significance. Last evaluated: 2023-10-16. Review status: criteria provided, single submitter. Criteria: Invitae Variant Classification Sherloc (09022015). Collection method: clinical testing. Allele origin: germline.
Comment: This sequence change replaces arginine, which is basic and polar, with glutamine, which is neutral and polar, at codon 131 of the RDH5 protein (p.Arg131Gln). This variant is present in population databases (rs767968568, gnomAD 0.005%). This variant has not been reported in the literature in individuals affected with RDH5-related conditions. ClinVar contains an entry for this variant (Variation ID: 964633). Advanced modeling of protein sequence and biophysical properties (such as structural, functional, and spatial information, amino acid conservation, physicochemical variation, residue mobility, and thermodynamic stability) performed at Invitae indicates that this missense variant is not expected to disrupt RDH5 protein function. Algorithms developed to predict the effect of sequence changes on RNA splicing suggest that this variant may create or strengthen a splice site. In summary, the available evidence is currently insufficient to determine the role of this variant in disease. Therefore, it has been classified as a Variant of Uncertain Significance.

Ambry Genetics
Classification: Uncertain significance for Inborn genetic diseases. Last evaluated: 2023-08-22. Review status: criteria provided, single submitter. Criteria: Ambry Variant Classification Scheme 2023. Collection method: clinical testing. Allele origin: germline.